The following is an entry in ClinVar:

NM_138694.4(PKHD1):c.779-1G>A

Gene: PKHD1 (PKHD1 ciliary IPT domain containing fibrocystin/polyductin; minus strand). Cytogenetic location: 6p12.2.
Variant type: single nucleotide variant.
Coding change: c.779-1G>A on transcript NM_138694.4 (MANE Select); the canonical splice acceptor site of the intron before coding-DNA position 779, G replaced by A.
Molecular consequence: splice acceptor variant.
Genome position (GRCh38, 1-based): chr6:52,066,078, C>T on the plus strand (G>A on the coding strand, the complement: PKHD1 is on the minus strand). VCF-style: chr6-52066078-C-T. GRCh37 (hg19) VCF-style: chr6-51930876-C-T.
Other names: c.779-1G>A (NM_170724.3).
Identifiers: ClinVar variation 2980869 (VCV002980869.3), dbSNP rs2533509237, ClinGen allele CA364431327.
Genomic context (GRCh38, chr6:52,066,078, plus strand): 5'-TAATTGTGATGTTTGTTCTTCCCCCAAGGCTCCCAGTTTCTGGAAACACAGATAATATTT[C>T]TGCAAGAGTTAAAAAAAAAAAAAAGTAAGCTTCCAAATATAGACCAGAATATGACCTAGA-3'

ClinVar aggregate classification (germline): Likely pathogenic (1 of 4 stars; one submission).

Conditions:
Autosomal recessive polycystic kidney disease (ARPKD). Also called: AR polycystic kidney disease. Identifiers: Orphanet 731, Orphanet 8378, MedGen C0085548, MeSH D017044, MONDO:0009889.

Submission:

Labcorp Genetics (formerly Invitae), Labcorp
Classification: Likely pathogenic for Autosomal recessive polycystic kidney disease. Last evaluated: 2023-12-22. Review status: criteria provided, single submitter. Criteria: Invitae Variant Classification Sherloc (09022015). Collection method: clinical testing. Allele origin: germline.
Comment: This sequence change affects an acceptor splice site in intron 11 of the PKHD1 gene. It is expected to disrupt RNA splicing. Variants that disrupt the donor or acceptor splice site typically lead to a loss of protein function (PMID: 16199547), and loss-of-function variants in PKHD1 are known to be pathogenic (PMID: 19940839). This variant is not present in population databases (gnomAD no frequency). This variant has not been reported in the literature in individuals affected with PKHD1-related conditions. Algorithms developed to predict the effect of sequence changes on RNA splicing suggest that this variant may disrupt the consensus splice site. In summary, the currently available evidence indicates that the variant is pathogenic, but additional data are needed to prove that conclusively. Therefore, this variant has been classified as Likely Pathogenic.

Literature cited by the submitters: PubMed 16199547; PubMed 19940839.